The following is an entry in ClinVar:

ClinVar aggregate classification (germline): Uncertain significance (1 of 4 stars; one submission).

Conditions:
Hereditary cancer-predisposing syndrome. Also called: Hereditary Cancer Syndrome; Tumor predisposition; Hereditary neoplastic syndrome; Neoplastic Syndromes, Hereditary. Identifiers: Orphanet 140162, MedGen C0027672, MeSH D009386, MONDO:0015356.

Submission:

Ambry Genetics
Classification: Uncertain significance for Hereditary cancer-predisposing syndrome. Last evaluated: 2024-05-28. Review status: criteria provided, single submitter. Criteria: Ambry Variant Classification Scheme 2023. Collection method: clinical testing. Allele origin: germline.
Comment: The c.2950_2952delTTT variant (also known as p.F984del) is located in coding exon 9 of the BRCA1 gene. This variant results from an in-frame TTT deletion at nucleotide positions 2950 to 2952. This results in the in-frame deletion of a phenylalanine at codon 984. This amino acid position is poorly conserved in available vertebrate species. In addition, this alteration is predicted to be deleterious by in silico analysis (Choi Y et al. PLoS ONE. 2012; 7(10):e46688). Based on the available evidence, the clinical significance of this variant remains unclear.

NM_007294.4(BRCA1):c.2950_2952del (p.Phe984del)

Gene: BRCA1 (BRCA1 DNA repair associated; minus strand). Cytogenetic location: 17q21.31.
Variant type: Deletion.
Coding change: c.2950_2952del on transcript NM_007294.4 (MANE Select); coding-DNA positions 2950 to 2952, 3 bases deleted (TTT; older notation c.2950_2952delTTT).
Protein change: p.Phe984del; deletes phenylalanine 984.
Molecular consequence: inframe deletion. On other transcripts: intron variant (137), inframe indel (1).
Genome position (GRCh38, 1-based): chr17:43,092,579-43,092,581, AAA deleted on the plus strand (TTT on the coding strand, the reverse complement: BRCA1 is on the minus strand); deleting any 3 consecutive bases within chr17:43,092,579-43,092,583 gives the same sequence; the c. name uses the placement nearest the transcript's 3' end. VCF-style (leftmost placement, unchanged base first): chr17-43092578-GAAA-G. GRCh37 (hg19) VCF-style: chr17-41244595-GAAA-G.
Other names: c.2947_2949del, p.Phe983del (NM_001407638.1, NM_001407644.1, NM_001407645.1 and 22 more transcripts); c.2950_2952del, p.Phe984del (NM_001407640.1, NM_001407641.1, NM_001407639.1 and 30 more transcripts); c.2941_2943del, p.Phe981del (NM_001407646.1, NM_001407647.1); c.2827_2829del, p.Phe943del (NM_001407648.1, NM_001407664.1, NM_001407665.1 and 19 more transcripts); c.2824_2826del, p.Phe942del (NM_001407649.1, NM_001407670.1, NM_001407671.1 and 11 more transcripts); c.2872_2874del, p.Phe958del (NM_001407653.1, NM_001407654.1, NM_001407655.1 and 4 more transcripts); c.2737_2739del, p.Phe913del (NM_001407571.1, NM_001407853.1, NM_001407894.1 and 9 more transcripts); c.2869_2871del, p.Phe957del (NM_001407659.1, NM_001407660.1, NM_001407661.1 and 1 more transcripts); and 42 more; short protein forms F872del, F873del, F914del, F957del, F981del, F983del, F936del, F937del.
Identifiers: ClinVar variation 3261484 (VCV003261484.1).